The following is an entry in ClinVar:

NM_173483.4(CYP4F22):c.223-10C>G

Gene: CYP4F22 (cytochrome P450 family 4 subfamily F member 22; plus strand). Cytogenetic location: 19p13.12.
Variant type: single nucleotide variant.
Coding change: c.223-10C>G on transcript NM_173483.4 (MANE Select); 10 bases into the intron before coding-DNA position 223, C replaced by G.
Molecular consequence: intron variant.
Genome position (GRCh38, 1-based): chr19:15,529,699, C>G. VCF-style: chr19-15529699-C-G. GRCh37 (hg19) VCF-style: chr19-15640510-C-G.
Identifiers: ClinVar variation 372938 (VCV000372938.3), dbSNP rs1057518087, ClinGen allele CA16043077.

ClinVar aggregate classification (germline): Likely pathogenic. Review status: criteria provided, multiple submitters, no conflicts (2 of 4 stars). 2 submissions from 2 submitters: Likely pathogenic (2). Last evaluated 2025-03-31.

Submissions (2):

Labcorp Genetics (formerly Invitae), Labcorp
Classification: Likely pathogenic. Last evaluated: 2025-03-31. Review status: criteria provided, single submitter. Criteria: Invitae Variant Classification Sherloc (09022015). Collection method: clinical testing. Allele origin: germline.
Comment: This sequence change falls in intron 3 of the CYP4F22 gene. It does not directly change the encoded amino acid sequence of the CYP4F22 protein. This variant is not present in population databases (gnomAD no frequency). This variant has been observed in individual(s) with congenital ichthyosis (internal data). ClinVar contains an entry for this variant (Variation ID: 372938). Algorithms developed to predict the effect of sequence changes on RNA splicing suggest that this variant may disrupt the consensus splice site. In summary, the currently available evidence indicates that the variant is pathogenic, but additional data are needed to prove that conclusively. Therefore, this variant has been classified as Likely Pathogenic.

GeneDx
Classification: Likely pathogenic. Last evaluated: 2016-11-15. Review status: criteria provided, single submitter. Criteria: GeneDx Variant Classification (06012015). Collection method: clinical testing. Allele origin: germline. Affected: yes.
Comment: To our knowledge, the c.223-10 C>G variant in the CYP4F22 gene has not been reported previously as a pathogenic variant nor as a benign variant. It was also not observed in approximately 6,500 individuals of European and African American ancestry in the NHLBI Exome Sequencing Project, indicating it is not a common benign variant in these populations. Based on several different splice algorithms, the c.223-10 C>G variant is not predicted to significantly reduce the quality of the regular splice acceptor site in intron 3, but it seems to create a cryptic splice acceptor site upstream and, thus, could alter potentially gene splicing. Therefore we interpret c.223-10 C>G as a likely pathogenic variant.